The following is an entry in ClinVar:

ClinVar aggregate classification (germline): Uncertain significance (1 of 4 stars; one submission).

Allele frequency attached by ClinVar (database versions not stated): gnomAD exomes below 0.00001.

Submission:

Labcorp Genetics (formerly Invitae), Labcorp
Classification: Uncertain significance. Last evaluated: 2022-01-17. Review status: criteria provided, single submitter. Criteria: Invitae Variant Classification Sherloc (09022015). Collection method: clinical testing. Allele origin: germline.
Comment: In summary, the available evidence is currently insufficient to determine the role of this variant in disease. Therefore, it has been classified as a Variant of Uncertain Significance. Algorithms developed to predict the effect of missense changes on protein structure and function are either unavailable or do not agree on the potential impact of this missense change (SIFT: "Deleterious"; PolyPhen-2: "Probably Damaging"; Align-GVGD: "Class C0"). This variant has not been reported in the literature in individuals affected with CNNM4-related conditions. This variant is present in population databases (no rsID available, gnomAD 0.0009%). This sequence change replaces leucine, which is neutral and non-polar, with proline, which is neutral and non-polar, at codon 602 of the CNNM4 protein (p.Leu602Pro).

NM_020184.4(CNNM4):c.1805T>C (p.Leu602Pro)

Gene: CNNM4 (cyclin and CBS domain divalent metal cation transport mediator 4; plus strand). Cytogenetic location: 2q11.2.
Variant type: single nucleotide variant.
Coding change: c.1805T>C on transcript NM_020184.4 (MANE Select); coding-DNA position 1805, T replaced by C.
Protein change: p.Leu602Pro; replaces leucine 602 with proline.
Molecular consequence: missense variant.
Genome position (GRCh38, 1-based): chr2:96,799,180, T>C. VCF-style: chr2-96799180-T-C. GRCh37 (hg19) VCF-style: chr2-97464917-T-C.
Other names: short protein forms L602P.
Identifiers: ClinVar variation 1470391 (VCV001470391.6), dbSNP rs1363285948, ClinGen allele CA347704862.